The following is an entry in ClinVar:

ClinVar aggregate classification (germline): Uncertain significance (1 of 4 stars; one submission).

Conditions:
Idiopathic generalized epilepsy. Also called: Generalised epilepsy; EIG. Identifiers: MedGen C0270850, MONDO:0005579, OMIM 600669.
Hyperaldosteronism, familial, type IV (HALD4). Also called: FH IV; ALDOSTERONISM, PRIMARY, AND HYPERTENSION. Identifiers: Orphanet 642671, MedGen C4310756, MONDO:0014875, OMIM 617027.

Allele frequency attached by ClinVar (database versions not stated): TOPMed 0.00001.
gnomAD v4.1: 19 of 1,596,224 alleles (0.0012%); highest among the groups gnomAD compares: Admixed American, 0.033%; no homozygotes.

Submission:

Labcorp Genetics (formerly Invitae), Labcorp
Classification: Uncertain significance for Idiopathic generalized epilepsy; Hyperaldosteronism, familial, type IV. Last evaluated: 2025-10-13. Review status: criteria provided, single submitter. Criteria: Invitae Variant Classification Sherloc (09022015). Collection method: clinical testing. Allele origin: germline.
Comment: This sequence change falls in intron 32 of the CACNA1H gene. It does not directly change the encoded amino acid sequence of the CACNA1H protein. It affects a nucleotide within the consensus splice site. This variant is present in population databases (rs147142971, gnomAD 0.05%), and has an allele count higher than expected for a pathogenic variant. This variant has not been reported in the literature in individuals affected with CACNA1H-related conditions. ClinVar contains an entry for this variant (Variation ID: 950636). Variants that disrupt the consensus splice site are a relatively common cause of aberrant splicing (PMID: 17576681, 9536098). Algorithms developed to predict the effect of sequence changes on RNA splicing suggest that this variant is not likely to affect RNA splicing. In summary, the available evidence is currently insufficient to determine the role of this variant in disease. Therefore, it has been classified as a Variant of Uncertain Significance.

Literature cited by the submitters: PubMed 17576681; PubMed 9536098.

NM_021098.3(CACNA1H):c.5445+4C>A

Gene: CACNA1H (calcium voltage-gated channel subunit alpha1 H; plus strand). Cytogenetic location: 16p13.3.
Variant type: single nucleotide variant.
Coding change: c.5445+4C>A on transcript NM_021098.3 (MANE Select); 4 bases into the intron after coding-DNA position 5445, C replaced by A.
Molecular consequence: intron variant.
Genome position (GRCh38, 1-based): chr16:1,218,044, C>A. VCF-style: chr16-1218044-C-A. GRCh37 (hg19) VCF-style: chr16-1268044-C-A.
Other names: c.5427+4C>A (NM_001005407.2).
Identifiers: ClinVar variation 950636 (VCV000950636.7), dbSNP rs147142971, ClinGen allele CA7802011.